The following is an entry in ClinVar:

ClinVar aggregate classification (germline): Uncertain significance (1 of 4 stars; one submission).

Conditions:
Bloom syndrome (BLM). Also called: Bloom-Torre-Machacek syndrome. Identifiers: Orphanet 125, MedGen C0005859, MONDO:0008876, OMIM 210900.

Submission:

Labcorp Genetics (formerly Invitae), Labcorp
Classification: Uncertain significance for Bloom syndrome. Last evaluated: 2024-07-01. Review status: criteria provided, single submitter. Criteria: Invitae Variant Classification Sherloc (09022015). Collection method: clinical testing. Allele origin: germline.
Comment: This sequence change replaces tyrosine, which is neutral and polar, with asparagine, which is neutral and polar, at codon 993 of the BLM protein (p.Tyr993Asn). This variant is not present in population databases (gnomAD no frequency). This variant has not been reported in the literature in individuals affected with BLM-related conditions. Advanced modeling of protein sequence and biophysical properties (such as structural, functional, and spatial information, amino acid conservation, physicochemical variation, residue mobility, and thermodynamic stability) performed at Invitae indicates that this missense variant is expected to disrupt BLM protein function with a positive predictive value of 80%. In summary, the available evidence is currently insufficient to determine the role of this variant in disease. Therefore, it has been classified as a Variant of Uncertain Significance.

NM_000057.4(BLM):c.2977T>A (p.Tyr993Asn)

Gene: BLM (BLM RecQ like helicase; plus strand). Cytogenetic location: 15q26.1.
Variant type: single nucleotide variant.
Coding change: c.2977T>A on transcript NM_000057.4 (MANE Select); coding-DNA position 2977, T replaced by A.
Protein change: p.Tyr993Asn; replaces tyrosine 993 with asparagine.
Molecular consequence: missense variant.
Genome position (GRCh38, 1-based): chr15:90,790,802, T>A. VCF-style: chr15-90790802-T-A. GRCh37 (hg19) VCF-style: chr15-91334032-T-A.
Other names: c.2977T>A, p.Tyr993Asn (NM_001287246.2, NM_001287247.2); c.1852T>A, p.Tyr618Asn (NM_001287248.2); short protein forms Y993N, Y618N.
Identifiers: ClinVar variation 3658371 (VCV003658371.2).